The following is an entry in ClinVar:

ClinVar aggregate classification (germline): Uncertain significance (1 of 4 stars; one submission).

Submission:

Dasa
Classification: Uncertain significance. Last evaluated: 2026-03-29. Review status: criteria provided, single submitter. Criteria: DASA Assertion Criteria. Collection method: clinical testing. Allele origin: germline.
Comment: NM_021098.3(CACNA1H):c.43C>G (p.Leu15Val) is a missense variant that results in the substitution of leucine with valine. This variant is rare in population databases. The currently available literature and clinical evidence are not sufficient to establish a definitive association between this variant and the reported condition. Therefore, this variant is classified as a variant of uncertain significance.

NM_021098.3(CACNA1H):c.43C>G (p.Leu15Val)

Gene: CACNA1H (calcium voltage-gated channel subunit alpha1 H; plus strand). Cytogenetic location: 16p13.3.
Variant type: single nucleotide variant.
Coding change: c.43C>G on transcript NM_021098.3 (MANE Select); coding-DNA position 43, C replaced by G.
Protein change: p.Leu15Val; replaces leucine 15 with valine.
Molecular consequence: missense variant.
Genome position (GRCh38, 1-based): chr16:1,153,780, C>G. VCF-style: chr16-1153780-C-G. GRCh37 (hg19) VCF-style: chr16-1203780-C-G.
Other names: c.43C>G, p.Leu15Val (NM_001005407.2); short protein forms L15V.
Identifiers: ClinVar variation 4880900 (VCV004880900.2).